The following is an entry in ClinVar:

NM_002617.4(PEX10):c.*676C>T

Genes: PEX10 (peroxisomal biogenesis factor 10; minus strand), RER1 (retention in endoplasmic reticulum sorting receptor 1; plus strand). Cytogenetic location: 1p36.32.
Variant type: single nucleotide variant.
Coding change: c.*676C>T on transcript NM_002617.4 (MANE Select); 676 bases downstream of the stop codon, C replaced by T.
Molecular consequence: 3 prime UTR variant. On other transcripts: non-coding transcript variant (1).
Genome position (GRCh38, 1-based): chr1:2,405,090, G>A on the plus strand (C>T on the coding strand, the complement: PEX10 is on the minus strand). VCF-style: chr1-2405090-G-A. GRCh37 (hg19) VCF-style: chr1-2336529-G-A.
Other names: c.*1966G>A (NM_007033.5); c.*676C>T (NM_001374425.1, NM_001374426.1, NM_001374427.1 and 1 more transcripts).
Identifiers: ClinVar variation 875342 (VCV000875342.4), dbSNP rs77863194, ClinGen allele CA16942238.

ClinVar aggregate classification (germline): Likely benign (1 of 4 stars; one submission).

Conditions:
Peroxisome biogenesis disorder 6A (Zellweger). Also called: Peroxisome biogenesis disorder 6A. Identifiers: Orphanet 912, MedGen C3553947, MONDO:0013936, OMIM 614870.

Allele frequency attached by ClinVar (database versions not stated): gnomAD exomes 0.00046; 1000 Genomes Project 0.00379; gnomAD 0.00382 and 0.00408; TOPMed 0.00434; 1000 Genomes Project 30x 0.00453.
gnomAD v4.1: 584 of 161,360 alleles (0.36%); highest among the groups gnomAD compares: African/African-American, 1.3%; 3 homozygotes.

Submission:

Illumina Laboratory Services, Illumina
Classification: Likely benign for Peroxisome biogenesis disorder 6A (Zellweger). Last evaluated: 2018-01-13. Review status: criteria provided, single submitter. Criteria: ICSL Variant Classification Criteria 13 December 2019. Collection method: clinical testing. Allele origin: germline.
Comment: This variant was observed in the ICSL laboratory as part of a predisposition screen in an ostensibly healthy population. It had not been previously curated by ICSL or reported in the Human Gene Mutation Database (HGMD: prior to June 1st, 2018), and was therefore a candidate for classification through an automated scoring system. Utilizing variant allele frequency, disease prevalence and penetrance estimates, and inheritance mode, an automated score was calculated to assess if this variant is too frequent to cause the disease. Based on the score and internal cut-off values, a variant classified as likely benign is not then subjected to further curation. The score for this variant resulted in a classification of likely benign for this disease.